The following is an entry in ClinVar:

NM_000218.3(KCNQ1):c.1514+37221G>A

Genes: KCNQ1 (potassium voltage-gated channel subfamily Q member 1; plus strand), KCNQ1OT1 (KCNQ1 opposite strand/antisense transcript 1; minus strand). Cytogenetic location: 11p15.5.
Variant type: single nucleotide variant.
Coding change: c.1514+37221G>A on transcript NM_000218.3 (MANE Select); 37221 bases into the intron after coding-DNA position 1514, G replaced by A.
Molecular consequence: intron variant. On other transcripts: non-coding transcript variant (1).
Genome position (GRCh38, 1-based): chr11:2,699,302, G>A. VCF-style: chr11-2699302-G-A. GRCh37 (hg19) VCF-style: chr11-2720532-G-A.
Other names: c.1244+37221G>A (NM_001406837.1); c.1418+37221G>A (NM_001406836.1); c.974+37221G>A (NM_001406838.1); c.1133+37221G>A (NM_181798.2).
Identifiers: ClinVar variation 3035601 (VCV003035601.2), dbSNP rs528636707, ClinGen allele CA216198107.
Genomic context (GRCh38, chr11:2,699,302, plus strand): 5'-TAAGGTGCAGATGGGAGCGCACTGCCCAGGCCAGGCTGCACTGCTGACGCCTGTGATCTG[G>A]GACGGCCGCGGGGCACACAGCTCACCTCAGCAACGCCAGTGATCACCCGTCCCGCGCCGT-3'

ClinVar aggregate classification (germline): Likely benign (0 of 4 stars; one submission).

Conditions:
KCNQ1-related disorder. Also called: KCNQ1-related condition; KCNQ1-related disorders. Identifiers: MedGen CN239322.

Allele frequency attached by ClinVar (database versions not stated): gnomAD 0.00080; TOPMed 0.00083; 1000 Genomes Project 30x 0.00172; 1000 Genomes Project 0.00200.
gnomAD v4.1: 151 of 399,002 alleles (0.038%); highest among the groups gnomAD compares: African/African-American, 0.26%; no homozygotes.

Submission:

PreventionGenetics, part of Exact Sciences
Classification: Likely benign for KCNQ1-related condition. Last evaluated: 2020-12-16. Review status: no assertion criteria provided. Collection method: clinical testing. Allele origin: germline.
Comment: This variant is classified as likely benign based on ACMG/AMP sequence variant interpretation guidelines (Richards et al. 2015 PMID: 25741868, with internal and published modifications).